The following is an entry in ClinVar:

ClinVar aggregate classification (germline): Uncertain significance. Review status: criteria provided, multiple submitters, no conflicts (2 of 4 stars). 2 submissions from 2 submitters: Uncertain significance (2). Last evaluated 2025-08-18.

Conditions:
TTC21B-related disorder. Also called: TTC21B-related condition; TTC21B-related disorders.
Nephronophthisis. Also called: Juvenile Nephronophthisis. Identifiers: Orphanet 655, MedGen C0687120, MONDO:0019005, HP:0000090.
Jeune thoracic dystrophy. Also called: Short-rib thoracic dysplasia; Jeune syndrome; Infantile thoracic dystrophy; Thoracic pelvic phalangeal dystrophy; Jeune's syndrome; Chondroectodermal dysplasia-like syndrome. Identifiers: Orphanet 474, MedGen C0265275, MONDO:0018770.

Allele frequency attached by ClinVar (database versions not stated): gnomAD exomes below 0.00001 and 0.00001; ExAC 0.00001; gnomAD 0.00002; TOPMed 0.00006.
gnomAD v4.1: 19 of 1,614,062 alleles (0.0012%); highest among the groups gnomAD compares: Admixed American, 0.0067%; no homozygotes.

Submissions (2):

PreventionGenetics, part of Exact Sciences
Classification: Uncertain significance for TTC21B-related condition. Last evaluated: 2025-08-18. Review status: criteria provided, single submitter. Criteria: ACMG Guidelines, 2015. Collection method: clinical testing. Allele origin: germline.
Comment: The TTC21B c.1747A>G variant is predicted to result in the amino acid substitution p.Ile583Val. To our knowledge, this variant has not been reported in the literature. This variant is reported in 0.0054% of alleles in individuals of East Asian descent in gnomAD. At this time, the clinical significance of this variant is uncertain due to the absence of conclusive functional and genetic evidence.

Labcorp Genetics (formerly Invitae), Labcorp
Classification: Uncertain significance for Jeune thoracic dystrophy; Nephronophthisis. Last evaluated: 2022-06-18. Review status: criteria provided, single submitter. Criteria: Invitae Variant Classification Sherloc (09022015). Collection method: clinical testing. Allele origin: germline.
Comment: This sequence change replaces isoleucine, which is neutral and non-polar, with valine, which is neutral and non-polar, at codon 583 of the TTC21B protein (p.Ile583Val). This variant is present in population databases (rs745801155, gnomAD 0.006%). This variant has not been reported in the literature in individuals affected with TTC21B-related conditions. Algorithms developed to predict the effect of missense changes on protein structure and function output the following: SIFT: "Deleterious"; PolyPhen-2: "Benign"; Align-GVGD: "Class C0". The valine amino acid residue is found in multiple mammalian species, which suggests that this missense change does not adversely affect protein function. In summary, the available evidence is currently insufficient to determine the role of this variant in disease. Therefore, it has been classified as a Variant of Uncertain Significance.

NM_024753.5(TTC21B):c.1747A>G (p.Ile583Val)

Gene: TTC21B (tetratricopeptide repeat domain 21B; minus strand). Cytogenetic location: 2q24.3.
Variant type: single nucleotide variant.
Coding change: c.1747A>G on transcript NM_024753.5 (MANE Select); coding-DNA position 1747, A replaced by G.
Protein change: p.Ile583Val; replaces isoleucine 583 with valine.
Molecular consequence: missense variant.
Genome position (GRCh38, 1-based): chr2:165,917,409, T>C on the plus strand (A>G on the coding strand, the complement: TTC21B is on the minus strand). VCF-style: chr2-165917409-T-C. GRCh37 (hg19) VCF-style: chr2-166773919-T-C.
Other names: c.1747A>G (NM_024753.4); short protein forms I583V.
Identifiers: ClinVar variation 1474426 (VCV001474426.4), dbSNP rs745801155, ClinGen allele CA1942025.